The following is an entry in ClinVar:

NM_007374.3(SIX6):c.121C>T (p.Pro41Ser)

Genes: C14orf39 (chromosome 14 open reading frame 39; minus strand), SIX6 (SIX homeobox 6; plus strand). Cytogenetic location: 14q23.1.
Variant type: single nucleotide variant.
Coding change: c.121C>T on transcript NM_007374.3 (MANE Select); coding-DNA position 121, C replaced by T.
Protein change: p.Pro41Ser; replaces proline 41 with serine.
Molecular consequence: missense variant.
Genome position (GRCh38, 1-based): chr14:60,509,519, C>T. VCF-style: chr14-60509519-C-T. GRCh37 (hg19) VCF-style: chr14-60976237-C-T.
Other names: short protein forms P41S.
Identifiers: ClinVar variation 2085476 (VCV002085476.4), dbSNP rs1032753134, ClinGen allele CA262195802.

ClinVar aggregate classification (germline): Uncertain significance (1 of 4 stars; one submission).

Allele frequency attached by ClinVar (database versions not stated): gnomAD exomes below 0.00001; TOPMed below 0.00001.
gnomAD v4.1: 3 of 1,606,738 alleles (0.00019%); highest among the groups gnomAD compares: Non-Finnish European, 0.00017%; no homozygotes.

Submission:

Labcorp Genetics (formerly Invitae), Labcorp
Classification: Uncertain significance. Last evaluated: 2022-06-15. Review status: criteria provided, single submitter. Criteria: Invitae Variant Classification Sherloc (09022015). Collection method: clinical testing. Allele origin: germline.
Comment: This variant is present in population databases (no rsID available, gnomAD 0.0009%). This variant has not been reported in the literature in individuals affected with SIX6-related conditions. Algorithms developed to predict the effect of missense changes on protein structure and function (SIFT, PolyPhen-2, Align-GVGD) all suggest that this variant is likely to be tolerated. In summary, the available evidence is currently insufficient to determine the role of this variant in disease. Therefore, it has been classified as a Variant of Uncertain Significance. This sequence change replaces proline, which is neutral and non-polar, with serine, which is neutral and polar, at codon 41 of the SIX6 protein (p.Pro41Ser).